The following is an entry in ClinVar:

NM_000321.3(RB1):c.590C>T (p.Thr197Ile)

Gene: RB1 (RB transcriptional corepressor 1; plus strand). Cytogenetic location: 13q14.2.
Variant type: single nucleotide variant.
Coding change: c.590C>T on transcript NM_000321.3 (MANE Select); coding-DNA position 590, C replaced by T.
Protein change: p.Thr197Ile; replaces threonine 197 with isoleucine.
Molecular consequence: missense variant.
Genome position (GRCh38, 1-based): chr13:48,349,006, C>T. VCF-style: chr13-48349006-C-T. GRCh37 (hg19) VCF-style: chr13-48923142-C-T.
Other names: c.590C>T, p.Thr197Ile (NM_001407165.1, NM_001407166.1); short protein forms T197I.
Identifiers: ClinVar variation 3071585 (VCV003071585.2), dbSNP rs1131690883, ClinGen allele CA388156984.
Genomic context (GRCh38, chr13:48,349,006, plus strand): 5'-TGTTTAATAGGATATCTACTGAAATAAATTCTGCATTGGTGCTAAAAGTTTCTTGGATCA[C>T]ATTTTTATTAGCTAAAGGTAAGTTCATTATATTTATTAAATGCTAATATTTCAAATGTAA-3'
Protein context (NP_000312.2, residues 187-207): SALVLKVSWI[Thr197Ile]FLLAKGEVLQ

ClinVar aggregate classification (germline): Uncertain significance. Review status: criteria provided, multiple submitters, no conflicts (2 of 4 stars). 2 submissions from 2 submitters: Uncertain significance (2). Last evaluated 2024-09-06.

Conditions:
Hereditary cancer-predisposing syndrome. Also called: Hereditary neoplastic syndrome; Hereditary Cancer Syndrome; Neoplastic Syndromes, Hereditary; Tumor predisposition. Identifiers: Orphanet 140162, MedGen C0027672, MeSH D009386, MONDO:0015356.
Retinoblastoma (RB1). Also called: RETINOBLASTOMA, SOMATIC. Identifiers: Orphanet 790, MedGen C0035335, MeSH D012175, MONDO:0008380, OMIM 180200, HP:0009919. Disease mechanism: loss of function. Inheritance: Both sporadic and heritable forms are tested..

Allele frequency attached by ClinVar (database versions not stated): gnomAD exomes below 0.00001.
gnomAD v4.1: 1 of 1,598,828 alleles (0.000063%); highest among the groups gnomAD compares: Non-Finnish European, 0.000085%; no homozygotes.

Submissions (2):

Ambry Genetics
Classification: Uncertain significance for Hereditary cancer-predisposing syndrome. Last evaluated: 2024-09-06. Review status: criteria provided, single submitter. Criteria: Ambry Variant Classification Scheme 2023. Collection method: clinical testing. Allele origin: germline.
Comment: The p.T197I variant (also known as c.590C>T), located in coding exon 6 of the RB1 gene, results from a C to T substitution at nucleotide position 590. The threonine at codon 197 is replaced by isoleucine, an amino acid with similar properties. This amino acid position is conserved. In addition, the in silico prediction for this alteration is inconclusive. Based on the available evidence, the clinical significance of this variant remains unclear.

All of Us Research Program, National Institutes of Health
Classification: Uncertain significance for Retinoblastoma. Last evaluated: 2023-06-08. Review status: criteria provided, single submitter. Criteria: ACMG Guidelines, 2015. Collection method: clinical testing. Allele origin: germline. Inheritance: Autosomal dominant inheritance. Observed: 1 variant allele, 1 heterozygote.
Comment: This missense variant replaces threonine with isoleucine at codon 197 of the RB1 protein. Computational prediction suggests that this variant may not impact protein structure and function (internally defined REVEL score threshold <= 0.5, PMID: 27666373). To our knowledge, functional studies have not been reported for this variant. This variant has not been reported in individuals affected with RB1-related disorders in the literature. This variant has not been identified in the general population by the Genome Aggregation Database (gnomAD). The available evidence is insufficient to determine the role of this variant in disease conclusively. Therefore, this variant is classified as a Variant of Uncertain Significance.

This study involves interpretation of variants in research participants for the purpose of population health screening. Participant phenotype was not available at the time of variant classification. Additional details can be found in publication PMID: 35346344, PMCID: PMC8962531